The following is an entry in ClinVar:

ClinVar aggregate classification (germline): Conflicting classifications of pathogenicity. Review status: criteria provided, conflicting classifications (1 of 4 stars). 8 submissions from 8 submitters: Uncertain significance (7); Likely benign (1). Last evaluated 2025-12-04.

Conditions:
Cardiovascular phenotype. Identifiers: MedGen CN230736.
Cardiomyopathy, dilated, with wooly hair, keratoderma, and tooth agenesis. Also called: Cardiomyopathy, dilated, with woolly hair, keratoderma, and tooth agenesis; Erythrokeratodermia-cardiomyopathy syndrome. Identifiers: Orphanet 476096, Orphanet 65282, MedGen C4014393, MONDO:0014355, OMIM 615821.
Keratosis palmoplantaris striata 2. Also called: STRIATE PALMOPLANTAR KERATODERMA II; KERATODERMA, PALMOPLANTAR, STRIATE FORM II; Keratosis palmoplantaris striata II. Identifiers: MedGen C1852127, MONDO:0013034, OMIM 612908.
Woolly hair-skin fragility syndrome (WHSF). Identifiers: Orphanet 293165, MedGen C1843292, MONDO:0957307, OMIM 620415.
Arrhythmogenic right ventricular dysplasia 8 (ARVD8). Also called: Arrhythmogenic Right Ventricular Dysplasia/Cardiomyopathy 8; ARRHYTHMOGENIC RIGHT VENTRICULAR DYSPLASIA, FAMILIAL, 8; ARRHYTHMOGENIC RIGHT VENTRICULAR CARDIOMYOPATHY 8. Identifiers: MedGen C1843896, MONDO:0011831, OMIM 607450.
Arrhythmogenic cardiomyopathy with wooly hair and keratoderma. Also called: Dilated cardiomyopathy with woolly hair and keratoderma; Carvajal syndrome; Arrhythmogenic cardiomyopathy with woolly hair and keratoderma; PALMOPLANTAR KERATODERMA WITH LEFT VENTRICULAR CARDIOMYOPATHY AND WOOLLY HAIR. Identifiers: Orphanet 65282, MedGen C1854063, MONDO:0011581, OMIM 605676.
Lethal acantholytic epidermolysis bullosa (EBLA). Identifiers: Orphanet 158687, MedGen C1864826, MONDO:0012323, OMIM 609638.
Cardiomyopathy (CMYO). Also called: Cardiomyopathies. Identifiers: Orphanet 167848, MedGen C0878544, MONDO:0004994, HP:0001638. Inheritance: Various modes of inheritance.

Allele frequency attached by ClinVar (database versions not stated): TOPMed 0.00002; gnomAD 0.00001; gnomAD exomes 0.00002; ExAC 0.00002.
gnomAD v4.1: 52 of 1,613,898 alleles (0.0032%); highest among the groups gnomAD compares: Middle Eastern, 0.016%; no homozygotes.

Submissions (8):

Labcorp Genetics (formerly Invitae), Labcorp
Classification: Likely benign for Arrhythmogenic cardiomyopathy with wooly hair and keratoderma; Arrhythmogenic right ventricular dysplasia 8. Last evaluated: 2025-12-04. Review status: criteria provided, single submitter. Criteria: Invitae Variant Classification Sherloc (09022015). Collection method: clinical testing. Allele origin: germline.

Women's Health and Genetics/Laboratory Corporation of America, LabCorp
Classification: Uncertain significance. Last evaluated: 2025-03-17. Review status: criteria provided, single submitter. Criteria: LabCorp Variant Classification Summary - May 2015. Collection method: clinical testing. Allele origin: germline.
Comment: Variant summary: DSP c.1274G>A (p.Arg425Gln) results in a conservative amino acid change in the encoded protein sequence. Three of five in-silico tools predict a benign effect of the variant on protein function. The variant allele was found at a frequency of 2.4e-05 in 251266 control chromosomes. The available data on variant occurrences in the general population are insufficient to allow any conclusion about variant significance. c.1274G>A has been reported in the literature in an individual affected with left ventricle non-compaction with no precise clinical phenotype (Mazzarotto_2021). These report(s) do not provide unequivocal conclusions about association of the variant with Arrhythmogenic Right Ventricular Dysplasia/Cardiomyopathy. To our knowledge, no experimental evidence demonstrating an impact on protein function has been reported. The following publication have been ascertained in the context of this evaluation (PMID: 33500567). ClinVar contains an entry for this variant (Variation ID: 44857). Based on the evidence outlined above, the variant was classified as uncertain significance.

GeneDx
Classification: Uncertain significance. Last evaluated: 2024-09-17. Review status: criteria provided, single submitter. Criteria: GeneDx Variant Classification Process June 2021. Collection method: clinical testing. Allele origin: germline.
Comment: Identified in a patient with LVNC in published literature (PMID: 33500567); In silico analysis indicates that this missense variant does not alter protein structure/function; This variant is associated with the following publications: (PMID: 33500567)

All of Us Research Program, National Institutes of Health
Classification: Uncertain significance for Arrhythmogenic cardiomyopathy with wooly hair and keratoderma. Last evaluated: 2024-05-14. Review status: criteria provided, single submitter. Criteria: ACMG Guidelines, 2015. Collection method: clinical testing. Allele origin: germline. Inheritance: Autosomal dominant inheritance. Observed: 8 variant alleles, 8 heterozygotes.
Comment: This missense variant replaces arginine with glutamine at codon 425 of the DSP protein. Computational prediction suggests that this variant may not impact protein structure and function (internally defined REVEL score threshold <= 0.5, PMID: 27666373). To our knowledge, functional studies have not been reported for this variant. This variant has not been reported in individuals affected with cardiovascular disorders in the literature. This variant has been identified in 6/251266 chromosomes in the general population by the Genome Aggregation Database (gnomAD). The available evidence is insufficient to determine the role of this variant in disease conclusively. Therefore, this variant is classified as a Variant of Uncertain Significance.

This study involves interpretation of variants in research participants for the purpose of population health screening. Participant phenotype was not available at the time of variant classification. Additional details can be found in publication PMID: 35346344, PMCID: PMC8962531

Color Diagnostics, LLC DBA Color Health
Classification: Uncertain significance for Cardiomyopathy. Last evaluated: 2024-03-07. Review status: criteria provided, single submitter. Criteria: ACMG Guidelines, 2015. Collection method: clinical testing. Allele origin: germline.
Comment: This missense variant replaces arginine with glutamine at codon 425 of the DSP protein. Computational prediction suggests that this variant may not impact protein structure and function (internally defined REVEL score threshold <= 0.5, PMID: 27666373). To our knowledge, functional studies have not been reported for this variant. This variant has not been reported in individuals affected with cardiovascular disorders in the literature. This variant has been identified in 6/251266 chromosomes in the general population by the Genome Aggregation Database (gnomAD). The available evidence is insufficient to determine the role of this variant in disease conclusively. Therefore, this variant is classified as a Variant of Uncertain Significance.

Fulgent Genetics
Classification: Uncertain significance for Arrhythmogenic cardiomyopathy with wooly hair and keratoderma; Arrhythmogenic right ventricular dysplasia 8; Lethal acantholytic epidermolysis bullosa; Keratosis palmoplantaris striata 2; Cardiomyopathy, dilated, with wooly hair, keratoderma, and tooth agenesis. Last evaluated: 2021-08-20. Review status: criteria provided, single submitter. Criteria: ACMG Guidelines, 2015. Collection method: clinical testing. Allele origin: unknown.

Ambry Genetics
Classification: Uncertain significance for Cardiovascular phenotype. Last evaluated: 2015-12-14. Review status: criteria provided, single submitter. Criteria: Ambry Variant Classification Scheme 2023. Collection method: clinical testing. Allele origin: germline.

Laboratory for Molecular Medicine, Mass General Brigham Personalized Medicine
Classification: Uncertain significance. Last evaluated: 2012-11-05. Review status: criteria provided, single submitter. Criteria: LMM Criteria. Collection method: clinical testing. Allele origin: germline. Observed: 1 variant allele.
Comment: The Arg425Gln variant in DSP has not been reported in the literature nor previou sly identified by our laboratory. This variant has also not been identified in l arge and broad European American and African American populations by the NHLBI E xome Sequencing Project. Computational analys es (biochemical amino acid properties, conservation, AlignGVGD, PolyPhen2, and S IFT) do not provide strong support for or against an impact to the protein. Addi tional information is needed to fully assess the clinical significance of the Ar g425Gln variant.

Literature cited by the submitters: PubMed 33500567 (cited by Women's Health and Genetics/Laboratory Corporation of America, LabCorp).

NM_004415.4(DSP):c.1274G>A (p.Arg425Gln)

Gene: DSP (desmoplakin; plus strand). Cytogenetic location: 6p24.3.
Variant type: single nucleotide variant.
Coding change: c.1274G>A on transcript NM_004415.4 (MANE Select); coding-DNA position 1274, G replaced by A.
Protein change: p.Arg425Gln; replaces arginine 425 with glutamine.
Molecular consequence: missense variant.
Genome position (GRCh38, 1-based): chr6:7,568,444, G>A. VCF-style: chr6-7568444-G-A. GRCh37 (hg19) VCF-style: chr6-7568677-G-A.
Other names: c.1274G>A, p.Arg425Gln (NM_001008844.3, NM_001319034.2); short protein forms R425Q.
Identifiers: ClinVar variation 44857 (VCV000044857.22), dbSNP rs397516916, ClinGen allele CA004870.